The following is an entry in ClinVar:

ClinVar aggregate classification (germline): Uncertain significance (1 of 4 stars; one submission).

Conditions:
Familial thoracic aortic aneurysm and aortic dissection (TAAD). Also called: Thoracic aortic aneurysms and dissections. Identifiers: Orphanet 91387, MedGen C4707243, MONDO:0019625.

Submission:

Ambry Genetics
Classification: Uncertain significance for Familial thoracic aortic aneurysm and aortic dissection. Last evaluated: 2023-12-04. Review status: criteria provided, single submitter. Criteria: Ambry Variant Classification Scheme 2023. Collection method: clinical testing. Allele origin: germline.
Comment: The p.K1534R variant (also known as c.4601A>G), located in coding exon 32 of the MYH11 gene, results from an A to G substitution at nucleotide position 4601. The lysine at codon 1534 is replaced by arginine, an amino acid with highly similar properties. This amino acid position is conserved. In addition, the in silico prediction for this alteration is inconclusive. Since supporting evidence is limited at this time, the clinical significance of this alteration remains unclear.

NM_002474.3(MYH11):c.4601A>G (p.Lys1534Arg)

Genes: MYH11 (myosin heavy chain 11; minus strand), NDE1 (nudE neurodevelopment protein 1; plus strand). Cytogenetic location: 16p13.11.
Variant type: single nucleotide variant.
Coding change: c.4601A>G on transcript NM_002474.3 (MANE Select); coding-DNA position 4601, A replaced by G.
Protein change: p.Lys1534Arg; replaces lysine 1534 with arginine.
Molecular consequence: missense variant. On other transcripts: intron variant (2).
Genome position (GRCh38, 1-based): chr16:15,721,029, T>C on the plus strand (A>G on the coding strand, the complement: MYH11 is on the minus strand). VCF-style: chr16-15721029-T-C. GRCh37 (hg19) VCF-style: chr16-15814886-T-C.
Other names: c.4622A>G, p.Lys1541Arg (NM_001040113.2, NM_001040114.2); c.4601A>G, p.Lys1534Arg (NM_022844.3); c.948-3162T>C (NM_001143979.2, NM_017668.3); short protein forms K1541R, K1534R.
Identifiers: ClinVar variation 2251022 (VCV002251022.2), dbSNP rs1330157483, ClinGen allele CA394854594.
Genomic context (GRCh38, chr16:15,721,029, plus strand): 5'-TCGTCCTCCAGCTCTTCCAGCTGCGTCTTCATCTCCTCCATCTGGGTCTCCAGGGCCCGC[T>C]TGGACTTCTCCAGCTCATGGACCTGCCGGCAGAGCGGGCAGCCCCATTCTATGAGGCTCA-3'
Protein context (NP_002465.1, residues 1524-1544): GKNVHELEKS[Lys1534Arg]RALETQMEEM